The following is an entry in ClinVar:

ClinVar aggregate classification (germline): Uncertain significance (1 of 4 stars; one submission).

Submission:

Labcorp Genetics (formerly Invitae), Labcorp
Classification: Uncertain significance. Last evaluated: 2022-08-11. Review status: criteria provided, single submitter. Criteria: Invitae Variant Classification Sherloc (09022015). Collection method: clinical testing. Allele origin: germline.
Comment: Algorithms developed to predict the effect of sequence changes on RNA splicing suggest that this variant may disrupt the consensus splice site. In summary, the available evidence is currently insufficient to determine the role of this variant in disease. Therefore, it has been classified as a Variant of Uncertain Significance. This variant has not been reported in the literature in individuals affected with COL9A2-related conditions. This variant is not present in population databases (gnomAD no frequency). This sequence change affects a donor splice site in intron 5 of the COL9A2 gene. Variants that disrupt the donor or acceptor splice site typically lead to a loss of protein function (PMID: 16199547), however it is unknown whether splice variants in this region will result in a loss of function.

Literature cited by the submitters: PubMed 16199547.

NM_001852.4(COL9A2):c.303+1G>A

Gene: COL9A2 (collagen type IX alpha 2 chain; minus strand). Cytogenetic location: 1p34.2.
Variant type: single nucleotide variant.
Coding change: c.303+1G>A on transcript NM_001852.4 (MANE Select); the canonical splice donor site of the intron after coding-DNA position 303, G replaced by A.
Molecular consequence: splice donor variant.
Genome position (GRCh38, 1-based): chr1:40,312,730, C>T on the plus strand (G>A on the coding strand, the complement: COL9A2 is on the minus strand). VCF-style: chr1-40312730-C-T. GRCh37 (hg19) VCF-style: chr1-40778402-C-T.
Identifiers: ClinVar variation 2023541 (VCV002023541.4), dbSNP rs754050923, ClinGen allele CA339857330.